The following is an entry in ClinVar:

ClinVar aggregate classification (germline): Pathogenic (1 of 4 stars; one submission).

Conditions:
Inborn genetic diseases. Identifiers: MedGen C0950123, MeSH D030342.

Submission:

Ambry Genetics
Classification: Pathogenic for Inborn genetic diseases. Last evaluated: 2024-05-22. Review status: criteria provided, single submitter. Criteria: Ambry Variant Classification Scheme 2023. Collection method: clinical testing. Allele origin: germline.
Comment: The c.415G>T (p.E139*) alteration, located in exon 5 (coding exon 5) of the PSMD12 gene, consists of a G to T substitution at nucleotide position 415. This changes the amino acid from a glutamic acid (E) to a stop codon at amino acid position 139. This alteration is expected to result in loss of function by premature protein truncation or nonsense-mediated mRNA decay. This variant was not reported in population-based cohorts in the Genome Aggregation Database (gnomAD). Based on the available evidence, this alteration is classified as pathogenic.

NM_002816.5(PSMD12):c.415G>T (p.Glu139Ter)

Gene: PSMD12 (proteasome 26S subunit, non-ATPase 12; minus strand). Cytogenetic location: 17q24.2.
Variant type: single nucleotide variant.
Coding change: c.415G>T on transcript NM_002816.5 (MANE Select); coding-DNA position 415, G replaced by T.
Protein change: p.Glu139Ter; replaces glutamic acid 139 with a stop codon.
Molecular consequence: nonsense.
Genome position (GRCh38, 1-based): chr17:67,348,645, C>A on the plus strand (G>T on the coding strand, the complement: PSMD12 is on the minus strand). VCF-style: chr17-67348645-C-A. GRCh37 (hg19) VCF-style: chr17-65344761-C-A.
Other names: c.238G>T, p.Glu80Ter (NM_001316341.2); c.355G>T, p.Glu119Ter (NM_174871.4); short protein forms E119*, E139*, E80*.
Identifiers: ClinVar variation 3310984 (VCV003310984.1).